The following is an entry in ClinVar:

NM_001261826.3(AP3D1):c.1250+10G>A

Gene: AP3D1 (adaptor related protein complex 3 subunit delta 1; minus strand). Cytogenetic location: 19p13.3.
Variant type: single nucleotide variant.
Coding change: c.1250+10G>A on transcript NM_001261826.3 (MANE Select); 10 bases into the intron after coding-DNA position 1250, G replaced by A.
Molecular consequence: intron variant.
Genome position (GRCh38, 1-based): chr19:2,121,153, C>T on the plus strand (G>A on the coding strand, the complement: AP3D1 is on the minus strand). VCF-style: chr19-2121153-C-T. GRCh37 (hg19) VCF-style: chr19-2121152-C-T.
Other names: p.?; c.1250+10G>A (NM_003938.8, NM_001374799.1).
Identifiers: ClinVar variation 1658931 (VCV001658931.9), dbSNP rs779651450, ClinGen allele CA9059380.

ClinVar aggregate classification (germline): Likely benign. Review status: criteria provided, multiple submitters, no conflicts (2 of 4 stars). 2 submissions from 2 submitters: Likely benign (2). Last evaluated 2026-01-08.

Allele frequency attached by ClinVar (database versions not stated): ExAC 0.00002; gnomAD 0.00004 and 0.00005; gnomAD exomes 0.00004 and 0.00005; TOPMed 0.00006.

Submissions (2):

Labcorp Genetics (formerly Invitae), Labcorp
Classification: Likely benign. Last evaluated: 2026-01-08. Review status: criteria provided, single submitter. Criteria: Invitae Variant Classification Sherloc (09022015). Collection method: clinical testing. Allele origin: germline.

Mayo Clinic Laboratories, Mayo Clinic
Classification: Likely benign. Last evaluated: 2025-07-08. Review status: criteria provided, single submitter. Criteria: ACMG Guidelines, 2015. Collection method: clinical testing. Allele origin: germline. Observed: 1 variant allele.
Comment: BP4, BP7